The following is an entry in ClinVar:

NM_014738.6(TMEM94):c.2845-1G>A

Gene: TMEM94 (transmembrane protein 94; plus strand). Cytogenetic location: 17q25.1.
Variant type: single nucleotide variant.
Coding change: c.2845-1G>A on transcript NM_014738.6 (MANE Select); the canonical splice acceptor site of the intron before coding-DNA position 2845, G replaced by A.
Molecular consequence: splice acceptor variant.
Genome position (GRCh38, 1-based): chr17:75,495,543, G>A. VCF-style: chr17-75495543-G-A. GRCh37 (hg19) VCF-style: chr17-73491624-G-A.
Other names: c.2857-1G>A (NM_001321149.2); c.2797-1G>A (NM_001351202.2); c.2875-1G>A (NM_001321148.2); c.2872-1G>A (NM_001351203.2).
Identifiers: ClinVar variation 3377755 (VCV003377755.1).

ClinVar aggregate classification (germline): Likely pathogenic (1 of 4 stars; one submission).

Conditions:
Intellectual developmental disorder with cardiac defects and dysmorphic facies (IDDCDF). Identifiers: Orphanet 562569, MedGen C5193024, MONDO:0032672, OMIM 618316.

Submission:

Neuberg Centre For Genomic Medicine, NCGM
Classification: Likely pathogenic for Intellectual developmental disorder with cardiac defects and dysmorphic facies. Review status: criteria provided, single submitter. Criteria: ACMG Guidelines, 2015. Collection method: clinical testing. Allele origin: germline. Inheritance: Autosomal recessive inheritance. Affected: yes.
Comment: The observed invariant splice acceptor c.2845-1G>A variant in TMEM94 gene has not been reported previously as a pathogenic variant nor as a benign variant, to our knowledge. The c.2845-1G>A variant is absent in gnomAD Exomess. This variant has not been submitted to the ClinVar database. Loss of function variants in TMEM94 gene have been previously reported to be disease causing (Stephen et al., 2018). For these reasons, this variant has been classified as Likely Pathogenic. In absence of another significant variant in TMEM94, the molecular diagnosis is not confirmed.